The following is an entry in ClinVar:

ClinVar aggregate classification (germline): Benign/Likely benign. Review status: criteria provided, multiple submitters, no conflicts (2 of 4 stars). 6 submissions from 6 submitters: Benign (3); Likely benign (3). Last evaluated 2026-01-19.

Conditions:
SZT2-related disorder. Also called: SZT2-related condition.
Inborn genetic diseases. Identifiers: MedGen C0950123, MeSH D030342.
Developmental and epileptic encephalopathy, 18 (DEE18). Also called: Early infantile epileptic encephalopathy 18. Identifiers: Orphanet 369894, MedGen C3809624, MONDO:0014201, OMIM 615476.

Allele frequency attached by ClinVar (database versions not stated): 1000 Genomes Project 0.00040; 1000 Genomes Project 30x 0.00062; ESP Exome Variant Server 0.00085; gnomAD 0.00096; TOPMed 0.00096.
gnomAD v4.1: 257 of 1,614,108 alleles (0.016%); highest among the groups gnomAD compares: African/African-American, 0.31%; no homozygotes.

Submissions (6):

Labcorp Genetics (formerly Invitae), Labcorp
Classification: Benign. Last evaluated: 2026-01-19. Review status: criteria provided, single submitter. Criteria: Invitae Variant Classification Sherloc (09022015). Collection method: clinical testing. Allele origin: germline.

PreventionGenetics, part of Exact Sciences
Classification: Likely benign for SZT2-related condition. Last evaluated: 2025-06-26. Review status: criteria provided, single submitter. Criteria: ACMG Guidelines, 2015. Collection method: clinical testing. Allele origin: germline.
Comment: This variant is classified as likely benign based on ACMG/AMP sequence variant interpretation guidelines (Richards et al. 2015 PMID: 25741868, with internal and published modifications).

Genome-Nilou Lab
Classification: Benign for Developmental and epileptic encephalopathy, 18. Last evaluated: 2023-04-11. Review status: criteria provided, single submitter. Criteria: ACMG Guidelines, 2015. Collection method: clinical testing. Allele origin: germline. Affected: no.

GeneDx
Classification: Likely benign. Last evaluated: 2020-11-20. Review status: criteria provided, single submitter. Criteria: GeneDx Variant Classification Process June 2021. Collection method: clinical testing. Allele origin: germline. Affected: yes.

Athena Diagnostics
Classification: Benign. Last evaluated: 2019-06-12. Review status: criteria provided, single submitter. Criteria: Athena Diagnostics Criteria. Collection method: clinical testing. Allele origin: germline.

Ambry Genetics
Classification: Likely benign for Inborn genetic diseases. Last evaluated: 2016-08-12. Review status: criteria provided, single submitter. Criteria: Ambry Variant Classification Scheme 2023. Collection method: clinical testing. Allele origin: germline.

NM_001365999.1(SZT2):c.7149C>T (p.Ala2383=)

Gene: SZT2 (SZT2 subunit of KICSTOR complex; plus strand). Cytogenetic location: 1p34.2.
Variant type: single nucleotide variant.
Coding change: c.7149C>T on transcript NM_001365999.1 (MANE Select); coding-DNA position 7149, C replaced by T.
Protein change: p.Ala2383=; no amino-acid change (alanine 2383 retained).
Molecular consequence: synonymous variant.
Genome position (GRCh38, 1-based): chr1:43,439,987, C>T. VCF-style: chr1-43439987-C-T. GRCh37 (hg19) VCF-style: chr1-43905658-C-T.
Other names: c.6978C>T, p.Ala2326= (NM_015284.4).
Identifiers: ClinVar variation 589900 (VCV000589900.21), dbSNP rs60480887, ClinGen allele CA810120.